The following is an entry in ClinVar:

ClinVar aggregate classification (germline): Pathogenic/Likely pathogenic. Review status: criteria provided, multiple submitters, no conflicts (2 of 4 stars). 3 submissions from 3 submitters: Pathogenic (1); Likely pathogenic (1). 1 of the submissions does not count toward it. Last evaluated 2026-01-17.

Conditions:
Familial thoracic aortic aneurysm and aortic dissection (TAAD). Also called: Thoracic aortic aneurysms and dissections. Identifiers: Orphanet 91387, MedGen C4707243, MONDO:0019625.
Marfan syndrome (MFS). Also called: Marfan syndrome type 1; Marfan syndrome, classic; Marfan's syndrome; FBN1-Related Marfan Syndrome; MARFAN SYNDROME, TYPE I. Identifiers: Orphanet 284963, Orphanet 558, MedGen C0024796, MONDO:0007947, OMIM 154700.

Submissions (3):

Labcorp Genetics (formerly Invitae), Labcorp
Classification: Pathogenic for Marfan syndrome; Familial thoracic aortic aneurysm and aortic dissection. Last evaluated: 2026-01-17. Review status: criteria provided, single submitter. Criteria: Invitae Variant Classification Sherloc (09022015). Collection method: clinical testing. Allele origin: germline.
Comment: This sequence change replaces asparagine, which is neutral and polar, with serine, which is neutral and polar, at codon 589 of the FBN1 protein (p.Asn589Ser). This variant is not present in population databases (gnomAD no frequency). This missense change has been observed in individuals with clinical features of FBN1-related disease and clinical features of Marfan syndrome (PMID: 18087243; internal data). It has also been observed to segregate with disease in related individuals. ClinVar contains an entry for this variant (Variation ID: 549041). Invitae Evidence Modeling of protein sequence and biophysical properties (such as structural, functional, and spatial information, amino acid conservation, physicochemical variation, residue mobility, and thermodynamic stability) indicates that this missense variant is expected to disrupt FBN1 protein function with a positive predictive value of 95%. This variant disrupts the p.Asn589 amino acid residue in FBN1. Other variant(s) that disrupt this residue have been observed in individuals with FBN1-related conditions (PMID: 28642162), which suggests that this may be a clinically significant amino acid residue. For these reasons, this variant has been classified as Pathogenic.

GeneDx
Classification: Likely pathogenic. Last evaluated: 2025-08-11. Review status: criteria provided, single submitter. Criteria: GeneDx Variant Classification Process June 2021. Collection method: clinical testing. Allele origin: germline. Affected: yes.
Comment: Reported in at least one adult individual with Marfan syndrome and segregated with disease in two affected family members with ectopia lentis and variable systemic features (PMID: 18087243, 23684891); Identified in a patient with thoracic aortic aneurysm and dissection (TAAD) in published literature (PMID: 34456093); Not observed at significant frequency in large population cohorts (gnomAD); In silico analysis supports that this missense variant has a deleterious effect on protein structure/function; This variant is associated with the following publications: (PMID: 18087243, 28642162, 23684891, 34456093, 20591885)

Center for Medical Genetics Ghent, University of Ghent
Classification: Uncertain significance for Marfan syndrome. Last evaluated: 2017-11-07. Review status: no assertion criteria provided. Collection method: clinical testing. Allele origin: germline. Affected: yes. Not counted in ClinVar's aggregate classification.

Literature cited by the submitters: PubMed 18087243 (cited by Labcorp Genetics (formerly Invitae), Labcorp); PubMed 28642162 (cited by Labcorp Genetics (formerly Invitae), Labcorp).

NM_000138.5(FBN1):c.1766A>G (p.Asn589Ser)

Gene: FBN1 (fibrillin 1; minus strand). Cytogenetic location: 15q21.1.
Variant type: single nucleotide variant.
Coding change: c.1766A>G on transcript NM_000138.5 (MANE Select); coding-DNA position 1766, A replaced by G.
Protein change: p.Asn589Ser; replaces asparagine 589 with serine.
Molecular consequence: missense variant.
Genome position (GRCh38, 1-based): chr15:48,508,653, T>C on the plus strand (A>G on the coding strand, the complement: FBN1 is on the minus strand). VCF-style: chr15-48508653-T-C. GRCh37 (hg19) VCF-style: chr15-48800850-T-C.
Other names: short protein forms N589S.
Identifiers: ClinVar variation 549041 (VCV000549041.16), dbSNP rs1555399962, ClinGen allele CA392340436.